The following is an entry in ClinVar:

ClinVar aggregate classification (germline): Likely benign. Review status: criteria provided, multiple submitters, no conflicts (2 of 4 stars). 4 submissions from 4 submitters: Likely benign (4). Last evaluated 2024-08-05.

Allele frequency attached by ClinVar (database versions not stated): ExAC below 0.00001; TOPMed 0.00001; gnomAD exomes 0.00002 and 0.00004.
gnomAD v4.1: 15 of 1,204,204 alleles (0.0012%); highest among the groups gnomAD compares: Non-Finnish European, 0.0017%; no homozygotes.

Submissions (4):

Blueprint Genetics
Classification: Likely benign. Last evaluated: 2024-08-05. Review status: criteria provided, single submitter. Criteria: ACMG Guidelines, 2015. Collection method: clinical testing. Allele origin: germline.

Genetic Services Laboratory, University of Chicago
Classification: Likely benign. Last evaluated: 2018-06-20. Review status: criteria provided, single submitter. Criteria: ACMG Guidelines, 2015. Collection method: clinical testing. Allele origin: germline. Affected: no.

Labcorp Genetics (formerly Invitae), Labcorp
Classification: Likely benign. Last evaluated: 2018-06-02. Review status: criteria provided, single submitter. Criteria: Invitae Variant Classification Sherloc (09022015). Collection method: clinical testing. Allele origin: germline.

GeneDx
Classification: Likely benign. Last evaluated: 2018-01-30. Review status: criteria provided, single submitter. Criteria: GeneDx Variant Classification (06012015). Collection method: clinical testing. Allele origin: germline. Affected: yes.
Comment: This variant is considered likely benign or benign based on one or more of the following criteria: it is a conservative change, it occurs at a poorly conserved position in the protein, it is predicted to be benign by multiple in silico algorithms, and/or has population frequency not consistent with disease.

NM_001184880.2(PCDH19):c.117T>A (p.Ile39=)

Gene: PCDH19 (protocadherin 19; minus strand). Cytogenetic location: Xq22.1.
Variant type: single nucleotide variant.
Coding change: c.117T>A on transcript NM_001184880.2 (MANE Select); coding-DNA position 117, T replaced by A.
Protein change: p.Ile39=; no amino-acid change (isoleucine 39 retained).
Molecular consequence: synonymous variant.
Genome position (GRCh38, 1-based): chrX:100,408,481, A>T on the plus strand (T>A on the coding strand, the complement: PCDH19 is on the minus strand). VCF-style: chrX-100408481-A-T. GRCh37 (hg19) VCF-style: chrX-99663479-A-T.
Other names: c.117T>A, p.Ile39= (NM_001105243.2, NM_020766.3).
Identifiers: ClinVar variation 384930 (VCV000384930.9), dbSNP rs750597794, ClinGen allele CA10469015.